The following is an entry in ClinVar:

ClinVar aggregate classification (germline): Benign. Review status: criteria provided, multiple submitters, no conflicts (2 of 4 stars). 2 submissions from 2 submitters: Benign (2). Last evaluated 2018-06-18.

Allele frequency attached by ClinVar (database versions not stated): gnomAD exomes 0.05842; gnomAD 0.07790 and 0.07941; 1000 Genomes Project 0.08147; 1000 Genomes Project 30x 0.08448; TOPMed 0.08732.
gnomAD v4.1: 31,415 of 482,616 alleles (6.5%); highest among the groups gnomAD compares: Admixed American, 13%; 1,333 homozygotes.

Submissions (2):

GeneDx
Classification: Benign. Last evaluated: 2018-06-18. Review status: criteria provided, single submitter. Criteria: GeneDx Variant Classification (06012015). Collection method: clinical testing. Allele origin: germline. Affected: yes.
Comment: This variant is considered likely benign or benign based on one or more of the following criteria: it is a conservative change, it occurs at a poorly conserved position in the protein, it is predicted to be benign by multiple in silico algorithms, and/or has population frequency not consistent with disease.

Breakthrough Genomics
Classification: Benign. Review status: criteria provided, single submitter. Criteria: ACMG Guidelines, 2015. Collection method: not provided. Allele origin: germline. Inheritance: Autosomal recessive inheritance. Affected: yes.

NM_004287.5(GOSR2):c.94+257C>G

Genes: GOSR2 (golgi SNAP receptor complex member 2; plus strand), LRRC37A2 (leucine rich repeat containing 37 member A2). Cytogenetic location: 17q21.32.
Variant type: single nucleotide variant.
Coding change: c.94+257C>G on transcript NM_004287.5 (MANE Select); 257 bases into the intron after coding-DNA position 94, C replaced by G.
Molecular consequence: intron variant.
Genome position (GRCh38, 1-based): chr17:46,929,841, C>G. VCF-style: chr17-46929841-C-G. GRCh37 (hg19) VCF-style: chr17-45007207-C-G.
Other names: c.94+257C>G (NM_001321133.2, NM_054022.4, NM_001330252.2 and 4 more transcripts); c.40+257C>G (NM_001363851.2, NM_001321134.2).
Identifiers: ClinVar variation 668838 (VCV000668838.2), dbSNP rs75921757, ClinGen allele CA14475573.